The following is an entry in ClinVar:

NM_001354587.1(ANKRD36):c.125A>G (p.His42Arg)

Genes: ANKRD36 (ankyrin repeat domain 36; plus strand), LOC129934384 (ATAC-STARR-seq lymphoblastoid active region 16237; plus strand). Cytogenetic location: 2q11.2.
Variant type: single nucleotide variant.
Coding change: c.125A>G on transcript NM_001354587.1 (MANE Select); coding-DNA position 125, A replaced by G.
Protein change: p.His42Arg; replaces histidine 42 with arginine.
Molecular consequence: missense variant.
Genome position (GRCh38, 1-based): chr2:97,113,864, A>G. VCF-style: chr2-97113864-A-G. GRCh37 (hg19) VCF-style: chr2-97779601-A-G.
Other names: c.125A>G, p.His42Arg (NM_198555.4); short protein forms H42R.
Identifiers: ClinVar variation 2651158 (VCV002651158.24), dbSNP rs550176856, ClinGen allele CA1786453.

ClinVar aggregate classification (germline): Likely benign (1 of 4 stars; one submission).

Allele frequency attached by ClinVar (database versions not stated): gnomAD 0.00058; 1000 Genomes Project 0.00180; 1000 Genomes Project 30x 0.00297.
gnomAD v4.1: 887 of 1,607,124 alleles (0.055%); highest among the groups gnomAD compares: East Asian, 1.3%; 77 homozygotes.

Submission:

CeGaT Center for Human Genetics Tuebingen
Classification: Likely benign. Last evaluated: 2023-02-01. Review status: criteria provided, single submitter. Criteria: CeGaT Center For Human Genetics Tuebingen Variant Classification Criteria Version 2. Collection method: clinical testing. Allele origin: germline. Affected: yes. Observed: 1 variant allele.
Comment: ANKRD36: BS2